The following is an entry in ClinVar:

NC_000008.10:g.(?_6500495)_(6500570_?)del

Gene: MCPH1 (microcephalin 1; plus strand). Cytogenetic location: 8p23.1.
Variant type: Deletion.
Identifiers: ClinVar variation 1412426 (VCV001412426.5).

ClinVar aggregate classification (germline): Uncertain significance (1 of 4 stars; one submission).

Submission:

Labcorp Genetics (formerly Invitae), Labcorp
Classification: Uncertain significance. Last evaluated: 2021-08-12. Review status: criteria provided, single submitter. Criteria: Invitae Variant Classification Sherloc (09022015). Collection method: clinical testing. Allele origin: germline.
Comment: This variant is a gross deletion of the genomic region encompassing exon(s) 14 of the MCPH1 gene, which includes the termination codon. This deletion extends beyond the assayed region for this gene and therefore may encompass additional genes. While this deletion is not anticipated to lead to nonsense mediated decay, it is expected to alter mRNA translation or result in a truncated protein product. This variant has not been reported in the literature in individuals affected with MCPH1-related conditions. Experimental studies and prediction algorithms are not available or were not evaluated, and the functional significance of this variant is currently unknown. In summary, the available evidence is currently insufficient to determine the role of this variant in disease. Therefore, it has been classified as a Variant of Uncertain Significance.